The following is an entry in ClinVar:

ClinVar aggregate classification (germline): Uncertain significance. Review status: criteria provided, multiple submitters, no conflicts (2 of 4 stars). 3 submissions from 3 submitters: Uncertain significance (3). Last evaluated 2024-08-31.

Conditions:
Hypertrophic cardiomyopathy 13. Also called: TNNC1-Related Familial Hypertrophic Cardiomyopathy. Identifiers: MedGen C2750472, MONDO:0013195, OMIM 613243.
Dilated cardiomyopathy 1Z (CMD1Z). Identifiers: Orphanet 154, MedGen C2678475, MONDO:0012745, OMIM 611879.
Cardiovascular phenotype. Identifiers: MedGen CN230736.

Allele frequency attached by ClinVar (database versions not stated): gnomAD exomes below 0.00001; ExAC 0.00001; gnomAD 0.00001; TOPMed 0.00002.
gnomAD v4.1: 9 of 1,613,996 alleles (0.00056%); highest among the groups gnomAD compares: Admixed American, 0.0017%; no homozygotes.

Submissions (3):

Labcorp Genetics (formerly Invitae), Labcorp
Classification: Uncertain significance for Hypertrophic cardiomyopathy 13; Dilated cardiomyopathy 1Z. Last evaluated: 2024-08-31. Review status: criteria provided, single submitter. Criteria: Invitae Variant Classification Sherloc (09022015). Collection method: clinical testing. Allele origin: germline.
Comment: This sequence change replaces threonine, which is neutral and polar, with methionine, which is neutral and non-polar, at codon 129 of the TNNC1 protein (p.Thr129Met). This variant is present in population databases (rs749367654, gnomAD 0.003%). This missense change has been observed in individual(s) with hypertrophic cardiomyopathy (PMID: 37652022). ClinVar contains an entry for this variant (Variation ID: 518916). An algorithm developed to predict the effect of missense changes on protein structure and function (PolyPhen-2) suggests that this variant is likely to be disruptive. In summary, the available evidence is currently insufficient to determine the role of this variant in disease. Therefore, it has been classified as a Variant of Uncertain Significance.

Ambry Genetics
Classification: Uncertain significance for Cardiovascular phenotype. Last evaluated: 2023-11-01. Review status: criteria provided, single submitter. Criteria: Ambry Variant Classification Scheme 2023. Collection method: clinical testing. Allele origin: germline.
Comment: The p.T129M variant (also known as c.386C>T), located in coding exon 5 of the TNNC1 gene, results from a C to T substitution at nucleotide position 386. The threonine at codon 129 is replaced by methionine, an amino acid with similar properties. This amino acid position is highly conserved in available vertebrate species. In addition, this alteration is predicted to be deleterious by in silico analysis. Since supporting evidence is limited at this time, the clinical significance of this alteration remains unclear.

GeneDx
Classification: Uncertain significance. Last evaluated: 2020-01-02. Review status: criteria provided, single submitter. Criteria: GeneDx Variant Classification Process June 2021. Collection method: clinical testing. Allele origin: germline. Affected: yes.
Comment: Has not been previously published as pathogenic or benign to our knowledge; Not observed at a significant frequency in large population cohorts (Lek et al., 2016); Reported in ClinVar as a variant of uncertain significance (ClinVar Variant ID# 518916; Landrum et al., 2016); In silico analysis, which includes protein predictors and evolutionary conservation, supports a deleterious effect

Literature cited by the submitters: PubMed 37652022 (cited by Labcorp Genetics (formerly Invitae), Labcorp).

NM_003280.3(TNNC1):c.386C>T (p.Thr129Met)

Gene: TNNC1 (troponin C1, slow skeletal and cardiac type; minus strand). Cytogenetic location: 3p21.1.
Variant type: single nucleotide variant.
Coding change: c.386C>T on transcript NM_003280.3 (MANE Select); coding-DNA position 386, C replaced by T.
Protein change: p.Thr129Met; replaces threonine 129 with methionine.
Molecular consequence: missense variant.
Genome position (GRCh38, 1-based): chr3:52,451,459, G>A on the plus strand (C>T on the coding strand, the complement: TNNC1 is on the minus strand). VCF-style: chr3-52451459-G-A. GRCh37 (hg19) VCF-style: chr3-52485475-G-A.
Other names: c.386C>T (LRG_378t1); short protein forms T129M.
Identifiers: ClinVar variation 518916 (VCV000518916.10), dbSNP rs749367654, ClinGen allele CA2438507.